The following is an entry in ClinVar:

NM_032634.4(PIGO):c.613G>A (p.Asp205Asn)

Gene: PIGO (phosphatidylinositol glycan anchor biosynthesis class O; minus strand). Cytogenetic location: 9p13.3.
Variant type: single nucleotide variant.
Coding change: c.613G>A on transcript NM_032634.4 (MANE Select); coding-DNA position 613, G replaced by A.
Protein change: p.Asp205Asn; replaces aspartic acid 205 with asparagine.
Molecular consequence: missense variant.
Genome position (GRCh38, 1-based): chr9:35,094,258, C>T on the plus strand (G>A on the coding strand, the complement: PIGO is on the minus strand). VCF-style: chr9-35094258-C-T. GRCh37 (hg19) VCF-style: chr9-35094255-C-T.
Other names: c.613G>A, p.Asp205Asn (NM_001201484.2, NM_152850.4); short protein forms D205N.
Identifiers: ClinVar variation 2750723 (VCV002750723.3), dbSNP rs2490469947, ClinGen allele CA373323900.
Genomic context (GRCh38, chr9:35,094,258, plus strand): 5'-CTCTGGCCCCATGCTCACTGGTGGGGTAGAGGTGTTCCAGGATGCCATTGTCCACTGTGT[C>T]TAGGTCTCTGACATTGAAGGATGGGAAGAAGAAAGCTTTGGAGAAAGCACCAGGGAAAAG-3'
Protein context (NP_116023.2, residues 195-215): FFPSFNVRDL[Asp205Asn]TVDNGILEHL

ClinVar aggregate classification (germline): Uncertain significance (1 of 4 stars; one submission).

Conditions:
Hyperphosphatasia with impaired intellectual development syndrome 2. Also called: Hyperphosphatasia with intellectual disability syndrome 2; GLYCOSYLPHOSPHATIDYLINOSITOL BIOSYNTHESIS DEFECT 6. Identifiers: Orphanet 247262, MedGen C3553637, MONDO:0013882, OMIM 614749.

Submission:

Labcorp Genetics (formerly Invitae), Labcorp
Classification: Uncertain significance for Hyperphosphatasia with impaired intellectual development syndrome 2. Last evaluated: 2023-08-06. Review status: criteria provided, single submitter. Criteria: Invitae Variant Classification Sherloc (09022015). Collection method: clinical testing. Allele origin: germline.
Comment: This sequence change replaces aspartic acid, which is acidic and polar, with asparagine, which is neutral and polar, at codon 205 of the PIGO protein (p.Asp205Asn). This variant is not present in population databases (gnomAD no frequency). This variant has not been reported in the literature in individuals affected with PIGO-related conditions. Advanced modeling of protein sequence and biophysical properties (such as structural, functional, and spatial information, amino acid conservation, physicochemical variation, residue mobility, and thermodynamic stability) performed at Invitae indicates that this missense variant is not expected to disrupt PIGO protein function. In summary, the available evidence is currently insufficient to determine the role of this variant in disease. Therefore, it has been classified as a Variant of Uncertain Significance.